The following is an entry in ClinVar:

NM_001303256.3(MORC2):c.1397A>G (p.Asp466Gly)

Gene: MORC2 (MORC family CW-type zinc finger 2; minus strand). Cytogenetic location: 22q12.2.
Variant type: single nucleotide variant.
Coding change: c.1397A>G on transcript NM_001303256.3 (MANE Select); coding-DNA position 1397, A replaced by G.
Protein change: p.Asp466Gly; replaces aspartic acid 466 with glycine.
Molecular consequence: missense variant.
Genome position (GRCh38, 1-based): chr22:30,937,684, T>C on the plus strand (A>G on the coding strand, the complement: MORC2 is on the minus strand). VCF-style: chr22-30937684-T-C. GRCh37 (hg19) VCF-style: chr22-31333671-T-C.
Other names: c.1397A>G, p.Asp466Gly (NM_001303257.2); c.1211A>G, p.Asp404Gly (NM_014941.3); short protein forms D404G, D466G.
Identifiers: ClinVar variation 3602082 (VCV003602082.2).

ClinVar aggregate classification (germline): Pathogenic (1 of 4 stars; one submission).

Conditions:
Charcot-Marie-Tooth disease axonal type 2Z. Also called: CHARCOT-MARIE-TOOTH DISEASE, AXONAL, AUTOSOMAL DOMINANT, TYPE 2Z; CHARCOT-MARIE-TOOTH NEUROPATHY, TYPE 2Z. Identifiers: Orphanet 466768, MedGen C5569025, MONDO:0014736, OMIM 616688.

Submission:

Laboratory of Functional Genomics, Research Centre for Medical Genetics
Classification: Pathogenic for Charcot-Marie-Tooth disease axonal type 2Z. Review status: criteria provided, single submitter. Criteria: ACMG Guidelines, 2015. Collection method: clinical testing, in vitro. Allele origin: unknown, not applicable. Affected: yes. Observed: 1 heterozygote.
Comment: Segregation analysis was not performed. This variant was not found in large population databases. For functional characterization of the variant a vector, expressing MORC2 fused with Flag tag at C-terminal end, was created. Transfection of the plasmid into HEK293T cells followed by Western blotting revealed no reduction of MORC2 protein quantity compared to wt vector. In summary, c.1397A>G variant meets criteria to be classified as pathogenic.